The following is an entry in ClinVar:

NM_000169.3(GLA):c.799A>G (p.Met267Val)

Genes: GLA (galactosidase alpha; minus strand), RPL36A-HNRNPH2 (RPL36A-HNRNPH2 readthrough; plus strand). Cytogenetic location: Xq22.1.
Variant type: single nucleotide variant.
Coding change: c.799A>G on transcript NM_000169.3 (MANE Select); coding-DNA position 799, A replaced by G.
Protein change: p.Met267Val; replaces methionine 267 with valine.
Molecular consequence: missense variant. On other transcripts: non-coding transcript variant (3), intron variant (2).
Genome position (GRCh38, 1-based): chrX:101,398,787, T>C on the plus strand (A>G on the coding strand, the complement: GLA is on the minus strand). VCF-style: chrX-101398787-T-C. GRCh37 (hg19) VCF-style: chrX-100653775-T-C.
Other names: c.922A>G, p.Met308Val (NM_001406747.1); c.799A>G, p.Met267Val (NM_001406748.1); c.300+3330T>C (NM_001199973.2); c.177+6965T>C (NM_001199974.2); short protein forms M267V, M308V.
Identifiers: ClinVar variation 1957989 (VCV001957989.2), dbSNP rs2520868729, ClinGen allele CA413923801.

ClinVar aggregate classification (germline): Uncertain significance (1 of 4 stars; one submission).

Conditions:
Fabry disease. Also called: Fabry's disease; ALPHA-GALACTOSIDASE A DEFICIENCY; ANDERSON-FABRY DISEASE; Ceramide trihexosidosis; CERAMIDE TRIHEXOSIDASE DEFICIENCY; GLA DEFICIENCY. Identifiers: Orphanet 324, MedGen C0002986, MONDO:0010526, OMIM 301500, HP:0001071. Disease mechanism: Fabry disease is due to inactivating mutations in the X-linked GLA gene resulting in deficiency of the enzyme Alpha Galactosidase-A., loss of function.

Submission:

Labcorp Genetics (formerly Invitae), Labcorp
Classification: Uncertain significance for Fabry disease. Last evaluated: 2021-08-14. Review status: criteria provided, single submitter. Criteria: Invitae Variant Classification Sherloc (09022015). Collection method: clinical testing. Allele origin: germline.
Comment: This sequence change replaces methionine with valine at codon 267 of the GLA protein (p.Met267Val). The methionine residue is highly conserved and there is a small physicochemical difference between methionine and valine. This variant is not present in population databases (ExAC no frequency). This variant has not been reported in the literature in individuals affected with GLA-related conditions. Algorithms developed to predict the effect of missense changes on protein structure and function are either unavailable or do not agree on the potential impact of this missense change (SIFT: "Tolerated"; PolyPhen-2: "Probably Damaging"; Align-GVGD: "Class C0"). In summary, the available evidence is currently insufficient to determine the role of this variant in disease. Therefore, it has been classified as a Variant of Uncertain Significance.